The following is an entry in ClinVar:

NM_000276.4(OCRL):c.2115+4A>G

Gene: OCRL (OCRL inositol polyphosphate-5-phosphatase; plus strand). Cytogenetic location: Xq26.1.
Variant type: single nucleotide variant.
Coding change: c.2115+4A>G on transcript NM_000276.4 (MANE Select); 4 bases into the intron after coding-DNA position 2115, A replaced by G.
Molecular consequence: intron variant.
Genome position (GRCh38, 1-based): chrX:129,576,556, A>G. VCF-style: chrX-129576556-A-G. GRCh37 (hg19) VCF-style: chrX-128710533-A-G.
Other names: c.2118+4A>G (NM_001318784.2); c.2115+4A>G (NM_001587.4).
Identifiers: ClinVar variation 1525067 (VCV001525067.3), dbSNP rs1326476020, ClinGen allele CA644431717.
Genomic context (GRCh38, chrX:129,576,556, plus strand): 5'-CTGTGCCGTATGAAAAGACCAATCCGAGAAGTTCCTGTTACCAAACTCATAGACTTGGTA[A>G]GAACTGTCCCAAGACATAAACCTCTTTTACATTTAATTTTCACAATACTTAAGTGACGTC-3'

ClinVar aggregate classification (germline): Uncertain significance (1 of 4 stars; one submission).

Conditions:
Lowe syndrome (OCRL). Also called: Oculocerebrorenal Syndrome; LOWE OCULOCEREBRORENAL SYNDROME; PHOSPHATIDYLINOSITOL 4,5-BISPHOSPHATE 5-PHOSPHATASE DEFICIENCY. Identifiers: Orphanet 534, MedGen C0028860, MONDO:0010645, OMIM 309000.

Allele frequency attached by ClinVar (database versions not stated): gnomAD 0.00001; gnomAD exomes 0.00001; TOPMed 0.00003.
gnomAD v4.1: 7 of 1,143,534 alleles (0.00061%); highest among the groups gnomAD compares: Non-Finnish European, 0.00084%; no homozygotes.

Submission:

Labcorp Genetics (formerly Invitae), Labcorp
Classification: Uncertain significance for Lowe syndrome. Last evaluated: 2022-09-16. Review status: criteria provided, single submitter. Criteria: Invitae Variant Classification Sherloc (09022015). Collection method: clinical testing. Allele origin: germline.
Comment: This sequence change falls in intron 18 of the OCRL gene. It does not directly change the encoded amino acid sequence of the OCRL protein. It affects a nucleotide within the consensus splice site. This variant is present in population databases (no rsID available, gnomAD 0.003%). This variant has not been reported in the literature in individuals affected with OCRL-related conditions. ClinVar contains an entry for this variant (Variation ID: 1525067). Variants that disrupt the consensus splice site are a relatively common cause of aberrant splicing (PMID: 17576681, 9536098). Algorithms developed to predict the effect of sequence changes on RNA splicing suggest that this variant may disrupt the consensus splice site. In summary, the available evidence is currently insufficient to determine the role of this variant in disease. Therefore, it has been classified as a Variant of Uncertain Significance.

Literature cited by the submitters: PubMed 17576681; PubMed 9536098.